The following is an entry in ClinVar:

NM_003244.4(TGIF1):c.16+1564G>A

Gene: TGIF1 (TGFB induced factor homeobox 1; plus strand). Cytogenetic location: 18p11.31.
Variant type: single nucleotide variant.
Coding change: c.16+1564G>A on transcript NM_003244.4 (MANE Select); 1564 bases into the intron after coding-DNA position 16, G replaced by A.
Molecular consequence: intron variant. On other transcripts: 5 prime UTR variant (1).
Genome position (GRCh38, 1-based): chr18:3,452,069, G>A. VCF-style: chr18-3452069-G-A. GRCh37 (hg19) VCF-style: chr18-3452067-G-A.
Other names: c.-358G>A (NM_170695.5); c.-44-4285G>A (NM_174886.3, NM_001278686.3); c.58+4272G>A (NM_173207.4); c.-45+3530G>A (NM_001374396.1); c.25+2413G>A (NM_001278682.2); c.16+1564G>A (NM_173208.3, NM_001278684.2); c.-45+1999G>A (NM_173209.3); c.-45+294G>A (NM_173210.4); and 1 more.
Identifiers: ClinVar variation 252791 (VCV000252791.6), dbSNP rs202123354, ClinGen allele CA8875731.

ClinVar aggregate classification (germline): Conflicting classifications of pathogenicity. Review status: criteria provided, conflicting classifications (1 of 4 stars). 4 submissions from 4 submitters: Uncertain significance (2); Likely benign (2). Last evaluated 2024-11-25.

Conditions:
Holoprosencephaly 4 (HPE4). Identifiers: Orphanet 2162, MedGen C1840528, MONDO:0007734, OMIM 142946.

Allele frequency attached by ClinVar (database versions not stated): ESP Exome Variant Server 0.00015; 1000 Genomes Project 30x 0.00016; 1000 Genomes Project 0.00020; gnomAD 0.00023 and 0.00025; gnomAD exomes 0.00024 and 0.00038; ExAC 0.00033; TOPMed 0.00033.
gnomAD v4.1: 408 of 1,613,944 alleles (0.025%); highest among the groups gnomAD compares: Middle Eastern, 0.96%; 4 homozygotes.

Submissions (4):

Blueprint Genetics
Classification: Likely benign. Last evaluated: 2024-11-25. Review status: criteria provided, single submitter. Criteria: ACMG Guidelines, 2015. Collection method: clinical testing. Allele origin: germline.

Department of Pathology and Laboratory Medicine, Sinai Health System
Classification: Uncertain significance for holoprosencephaly 4. Last evaluated: 2022-04-18. Review status: criteria provided, single submitter. Criteria: ACMG Guidelines, 2015. Collection method: research. Allele origin: germline.

GeneDx
Classification: Likely benign. Last evaluated: 2017-05-16. Review status: criteria provided, single submitter. Criteria: GeneDx Variant Classification (06012015). Collection method: clinical testing. Allele origin: germline. Affected: yes.
Comment: This variant is considered likely benign or benign based on one or more of the following criteria: it is a conservative change, it occurs at a poorly conserved position in the protein, it is predicted to be benign by multiple in silico algorithms, and/or has population frequency not consistent with disease.

Genomic Diagnostic Laboratory, Division of Genomic Diagnostics, Children's Hospital of Philadelphia
Classification: Uncertain significance. Last evaluated: 2015-07-30. Review status: criteria provided, single submitter. Criteria: DGD Variant Analysis Guidelines. Collection method: clinical testing. Allele origin: unknown.